The following is an entry in ClinVar:

ClinVar aggregate classification (germline): Pathogenic/Likely pathogenic. Review status: criteria provided, multiple submitters, no conflicts (2 of 4 stars). 5 submissions from 5 submitters: Pathogenic (2); Likely pathogenic (2). 1 of the submissions does not count toward it. Last evaluated 2025-05-19.

Conditions:
Bartter syndrome. Identifiers: Orphanet 112, MedGen C0004775, MONDO:0015231.
Bartter disease type 4A. Also called: BARTTER SYNDROME, TYPE 4A, NEONATAL, WITH SENSORINEURAL DEAFNESS; BARTTER SYNDROME, NEONATAL, WITH SENSORINEURAL DEAFNESS. Identifiers: Orphanet 112, MedGen C1865270, MONDO:0011242, OMIM 602522.

Allele frequency attached by ClinVar (database versions not stated): gnomAD exomes below 0.00001; ExAC 0.00001; gnomAD 0.00001; TOPMed 0.00001.
gnomAD v4.1: 6 of 1,614,114 alleles (0.00037%); highest among the groups gnomAD compares: Middle Eastern, 0.016%; no homozygotes.

Submissions (5):

Natera, Inc.
Classification: Likely pathogenic for Bartter syndrome. Last evaluated: 2025-05-19. Review status: criteria provided, single submitter. Criteria: Natera Variant Classification Schema (03/2026). Collection method: clinical testing. Allele origin: germline.
Comment: The c.28G>A variant in BSND is a missense variant predicted to cause substitution of glycine to serine at amino acid 10. This variant is rare in the general population with a frequency below the threshold expected for the associated phenotype(s). This variant has been observed in one or more individuals affected with the associated recessive disease, as either homozygous or compound heterozygous with a second variant (PMID: 11687798). Functional studies show that this variant may disrupt protein function (PMID: 18776122). Computational prediction algorithms indicate this variant is likely to affect gene or protein function. Given the available evidence, this variant is classified as Likely Pathogenic.

GeneDx
Classification: Likely pathogenic. Last evaluated: 2024-02-26. Review status: criteria provided, single submitter. Criteria: GeneDx Variant Classification Process June 2021. Collection method: clinical testing. Allele origin: germline. Affected: yes.
Comment: Published functional studies demonstrate the variant eliminates function of CIC-K channels despite not altering channel formation (PMID: 18776122); Not observed at significant frequency in large population cohorts (gnomAD); In silico analysis supports that this missense variant has a deleterious effect on protein structure/function; This variant is associated with the following publications: (PMID: 12111250, 24189473, 12761627, 30405442, 30977917, 30174009, 19096086, 19309509, 12574213, 33348466, 11734858, 11687798, 18776122)

Labcorp Genetics (formerly Invitae), Labcorp
Classification: Pathogenic. Last evaluated: 2024-01-04. Review status: criteria provided, single submitter. Criteria: Invitae Variant Classification Sherloc (09022015). Collection method: clinical testing. Allele origin: germline.
Comment: This sequence change replaces glycine, which is neutral and non-polar, with serine, which is neutral and polar, at codon 10 of the BSND protein (p.Gly10Ser). This variant is present in population databases (rs74315287, gnomAD 0.003%). This missense change has been observed in individual(s) with Bartter syndrome with sensorineural deafness (PMID: 11687798, 26857709). In at least one individual the data is consistent with being in trans (on the opposite chromosome) from a pathogenic variant. ClinVar contains an entry for this variant (Variation ID: 4385). Advanced modeling of protein sequence and biophysical properties (such as structural, functional, and spatial information, amino acid conservation, physicochemical variation, residue mobility, and thermodynamic stability) performed at Invitae indicates that this missense variant is expected to disrupt BSND protein function with a positive predictive value of 80%. Experimental studies have shown that this missense change affects BSND function (PMID: 11734858, 18776122). For these reasons, this variant has been classified as Pathogenic.

Women's Health and Genetics/Laboratory Corporation of America, LabCorp
Classification: Pathogenic for Bartter syndrome. Last evaluated: 2023-06-27. Review status: criteria provided, single submitter. Criteria: LabCorp Variant Classification Summary - May 2015. Collection method: clinical testing. Allele origin: germline.
Comment: Variant summary: BSND c.28G>A (p.Gly10Ser) results in a non-conservative amino acid change in the encoded protein sequence. Five of five in-silico tools predict a damaging effect of the variant on protein function. The variant allele was found at a frequency of 4e-06 in 251420 control chromosomes in gnomAD. c.28G>A has been reported in the literature in multiple individuals and families affected with Bartter Syndrome, Type 4a (example: Landau_2016, Birkenhager_2001, Brennan_1998, Mori_2020). Most of such individuals are Arabian in Israel, suggesting c.28G>A is a founder mutation of Bartter Syndrome Type 4a in the Arabians. At least one publication reports experimental evidence evaluating an impact on protein function and showed that this variant abolishes plasmalemmal ClC-K/barttin currents in the human kidney (Janssen_2009). These data indicate that the variant is very likely associated with disease. The following publications have been ascertained in the context of this evaluation (PMID: 11687798, 18776122, 26857709, 33348466, 9463315). No clinical diagnostic laboratories have submitted clinical-significance assessments for this variant to ClinVar after 2014. Based on the evidence outlined above, the variant was classified as pathogenic.

OMIM
Classification: Pathogenic for BARTTER SYNDROME, TYPE 4A, WITH SENSORINEURAL DEAFNESS. Last evaluated: 2001-11-01. Review status: no assertion criteria provided. Collection method: literature only. Allele origin: germline. Not counted in ClinVar's aggregate classification.

Literature cited by the submitters: PubMed 11687798 (cited by 4 submitters); PubMed 18776122 (cited by 3 submitters); PubMed 26857709 (cited by Labcorp Genetics (formerly Invitae), Labcorp and Women's Health and Genetics/Laboratory Corporation of America, LabCorp); PubMed 11734858 (cited by Labcorp Genetics (formerly Invitae), Labcorp); PubMed 33348466 (cited by Women's Health and Genetics/Laboratory Corporation of America, LabCorp); PubMed 9463315 (cited by Women's Health and Genetics/Laboratory Corporation of America, LabCorp and OMIM).

NM_057176.3(BSND):c.28G>A (p.Gly10Ser)

Gene: BSND (barttin CLCNK type accessory subunit beta; plus strand). Cytogenetic location: 1p32.3.
Variant type: single nucleotide variant.
Coding change: c.28G>A on transcript NM_057176.3 (MANE Select); coding-DNA position 28, G replaced by A.
Protein change: p.Gly10Ser; replaces glycine 10 with serine.
Molecular consequence: missense variant.
Genome position (GRCh38, 1-based): chr1:54,999,214, G>A. VCF-style: chr1-54999214-G-A. GRCh37 (hg19) VCF-style: chr1-55464887-G-A.
Other names: short protein forms G10S.
Identifiers: ClinVar variation 4385 (VCV000004385.9), dbSNP rs74315287, ClinGen allele CA116809.